The following is an entry in ClinVar:

ClinVar aggregate classification (germline): Uncertain significance (1 of 4 stars; one submission).

Conditions:
Kabuki syndrome 2 (KABUK2). Also called: KDM6A-Related Kabuki Syndrome. Identifiers: Orphanet 2322, MedGen C3275495, MONDO:0010465, OMIM 300867.

Submission:

Labcorp Genetics (formerly Invitae), Labcorp
Classification: Uncertain significance for Kabuki syndrome 2. Last evaluated: 2024-05-13. Review status: criteria provided, single submitter. Criteria: Invitae Variant Classification Sherloc (09022015). Collection method: clinical testing. Allele origin: germline.
Comment: This sequence change replaces lysine, which is basic and polar, with glutamic acid, which is acidic and polar, at codon 262 of the KDM6A protein (p.Lys262Glu). This variant is not present in population databases (gnomAD no frequency). This variant has not been reported in the literature in individuals affected with KDM6A-related conditions. Advanced modeling of protein sequence and biophysical properties (such as structural, functional, and spatial information, amino acid conservation, physicochemical variation, residue mobility, and thermodynamic stability) has been performed at Invitae for this missense variant, however the output from this modeling did not meet the statistical confidence thresholds required to predict the impact of this variant on KDM6A protein function. In summary, the available evidence is currently insufficient to determine the role of this variant in disease. Therefore, it has been classified as a Variant of Uncertain Significance.

NM_001291415.2(KDM6A):c.784A>G (p.Lys262Glu)

Gene: KDM6A (lysine demethylase 6A; plus strand). Cytogenetic location: Xp11.3.
Variant type: single nucleotide variant.
Coding change: c.784A>G on transcript NM_001291415.2 (MANE Select); coding-DNA position 784, A replaced by G.
Protein change: p.Lys262Glu; replaces lysine 262 with glutamic acid.
Molecular consequence: missense variant. On other transcripts: non-coding transcript variant (1).
Genome position (GRCh38, 1-based): chrX:45,053,864, A>G. VCF-style: chrX-45053864-A-G. GRCh37 (hg19) VCF-style: chrX-44913109-A-G.
Other names: c.784A>G, p.Lys262Glu (NM_001291416.2, NM_001291417.2, NM_001291418.2 and 9 more transcripts); c.31A>G, p.Lys11Glu (NM_001291421.2); short protein forms K11E, K262E.
Identifiers: ClinVar variation 3653263 (VCV003653263.2).
Genomic context (GRCh38, chrX:45,053,864, plus strand): 5'-AATTTTTTTAAATCATTTACTGTAGGTTGGATGCATCACACTGTAGATCTCCTGGGAGAT[A>G]AAGCCACCAAGGAAAGCTATGCTATTCAGTATCTCCAAAAGTCCTTGGAAGCAGATCCTA-3'
Protein context (NP_001278344.1, residues 252-272): MHHTVDLLGD[Lys262Glu]ATKESYAIQY